The following is an entry in ClinVar:

NM_003816.3(ADAM9):c.2161G>A (p.Asp721Asn)

Gene: ADAM9 (ADAM metallopeptidase domain 9; plus strand). Cytogenetic location: 8p11.22.
Variant type: single nucleotide variant.
Coding change: c.2161G>A on transcript NM_003816.3 (MANE Select); coding-DNA position 2161, G replaced by A.
Protein change: p.Asp721Asn; replaces aspartic acid 721 with asparagine.
Molecular consequence: missense variant. On other transcripts: non-coding transcript variant (2).
Genome position (GRCh38, 1-based): chr8:39,090,139, G>A. VCF-style: chr8-39090139-G-A. GRCh37 (hg19) VCF-style: chr8-38947658-G-A.
Other names: short protein forms D721N.
Identifiers: ClinVar variation 1977827 (VCV001977827.5), dbSNP rs1468489145, ClinGen allele CA370749567.
Genomic context (GRCh38, chr8:39,090,139, plus strand): 5'-GTCTTCTTCTTCCTAATTGTTCCCCTTATTGTCTGTGCTATTTTTATCTTCATCAAGAGG[G>A]ATCAACTGTGGAGAAGCTACTTCAGAAAGAAGAGATCACAAACATATGAGTACTTAGATT-3'
Protein context (NP_003807.1, residues 711-731): VCAIFIFIKR[Asp721Asn]QLWRSYFRKK

ClinVar aggregate classification (germline): Uncertain significance (1 of 4 stars; one submission).

Submission:

Labcorp Genetics (formerly Invitae), Labcorp
Classification: Uncertain significance. Last evaluated: 2021-12-17. Review status: criteria provided, single submitter. Criteria: Invitae Variant Classification Sherloc (09022015). Collection method: clinical testing. Allele origin: germline.
Comment: In summary, the available evidence is currently insufficient to determine the role of this variant in disease. Therefore, it has been classified as a Variant of Uncertain Significance. Algorithms developed to predict the effect of missense changes on protein structure and function output the following: SIFT: "Tolerated"; PolyPhen-2: "Benign"; Align-GVGD: "Class C0". The asparagine amino acid residue is found in multiple mammalian species, which suggests that this missense change does not adversely affect protein function. This variant has not been reported in the literature in individuals affected with ADAM9-related conditions. This variant is not present in population databases (gnomAD no frequency). This sequence change replaces aspartic acid, which is acidic and polar, with asparagine, which is neutral and polar, at codon 721 of the ADAM9 protein (p.Asp721Asn).